The following is an entry in ClinVar:

ClinVar aggregate classification (germline): Uncertain significance (1 of 4 stars; one submission).

Conditions:
Cystic fibrosis (CF). Also called: MUCOVISCIDOSIS. Identifiers: Orphanet 586, MedGen C0010674, MONDO:0009061, OMIM 219700. Disease mechanism: loss of function.

Allele frequency attached by ClinVar (database versions not stated): gnomAD exomes below 0.00001.
gnomAD v4.1: 2 of 1,604,778 alleles (0.00012%); highest among the groups gnomAD compares: South Asian, 0.0023%; no homozygotes.

Submission:

Ambry Genetics
Classification: Uncertain significance for Cystic fibrosis. Last evaluated: 2021-12-20. Review status: criteria provided, single submitter. Criteria: Ambry Variant Classification Scheme 2023. Collection method: clinical testing. Allele origin: germline.
Comment: The p.S624C variant (also known as c.1870A>T), located in coding exon 14 of the CFTR gene, results from an A to T substitution at nucleotide position 1870. The serine at codon 624 is replaced by cysteine, an amino acid with dissimilar properties. This amino acid position is conserved. In addition, the in silico prediction for this alteration is inconclusive. Since supporting evidence is limited at this time, the clinical significance of this alteration remains unclear.

NM_000492.4(CFTR):c.1870A>T (p.Ser624Cys)

Gene: CFTR (CF transmembrane conductance regulator; plus strand). Cytogenetic location: 7q31.2.
Variant type: single nucleotide variant.
Coding change: c.1870A>T on transcript NM_000492.4 (MANE Select); coding-DNA position 1870, A replaced by T.
Protein change: p.Ser624Cys; replaces serine 624 with cysteine.
Molecular consequence: missense variant.
Genome position (GRCh38, 1-based): chr7:117,592,037, A>T. VCF-style: chr7-117592037-A-T. GRCh37 (hg19) VCF-style: chr7-117232091-A-T.
Other names: short protein forms S624C.
Identifiers: ClinVar variation 1781679 (VCV001781679.2), dbSNP rs2485109285, ClinGen allele CA368978539.